The following is an entry in ClinVar:

NM_021831.6(AGBL5):c.2210_2212del (p.Ser737del)

Gene: AGBL5 (AGBL carboxypeptidase 5; plus strand). Cytogenetic location: 2p23.3.
Variant type: Deletion.
Coding change: c.2210_2212del on transcript NM_021831.6 (MANE Select); coding-DNA positions 2210 to 2212, 3 bases deleted (CCT; older notation c.2210_2212delCCT).
Protein change: p.Ser737del; deletes serine 737.
Molecular consequence: inframe deletion. On other transcripts: non-coding transcript variant (2).
Genome position (GRCh38, 1-based): chr2:27,067,614-27,067,616, CCT deleted; deleting any 3 consecutive bases within chr2:27,067,612-27,067,616 gives the same sequence; the c. name uses the placement nearest the transcript's 3' end. VCF-style (leftmost placement, unchanged base first): chr2-27067611-GCTC-G. GRCh37 (hg19) VCF-style: chr2-27290479-GCTC-G.
Other names: short protein forms S737del.
Identifiers: ClinVar variation 955350 (VCV000955350.8), dbSNP rs778210164, ClinGen allele CA1568118.
Genomic context (GRCh38, chr2:27,067,611, plus strand): 5'-GCAGCCTCGCTCCATCCCCAGCTCCTACTAGTTCTGGCCCAGCCTCCTCACACAAGCTGG[GCTC>G]CTGTCTACTGCCTGATTCATTCAACATACCAGGTCTGTACCCACTGCCACTGAAATCTGG-3'

ClinVar aggregate classification (germline): Uncertain significance. Review status: criteria provided, multiple submitters, no conflicts (2 of 4 stars). 2 submissions from 2 submitters: Uncertain significance (2). Last evaluated 2023-12-11.

Submissions (2):

Labcorp Genetics (formerly Invitae), Labcorp
Classification: Uncertain significance. Last evaluated: 2023-12-11. Review status: criteria provided, single submitter. Criteria: Invitae Variant Classification Sherloc (09022015). Collection method: clinical testing. Allele origin: germline.
Comment: This variant, c.2210_2212del, results in the deletion of 1 amino acid(s) of the AGBL5 protein (p.Ser737del), but otherwise preserves the integrity of the reading frame. This variant is present in population databases (rs778210164, gnomAD 0.02%). This variant has not been reported in the literature in individuals affected with AGBL5-related conditions. ClinVar contains an entry for this variant (Variation ID: 955350). Experimental studies and prediction algorithms are not available or were not evaluated, and the functional significance of this variant is currently unknown. In summary, the available evidence is currently insufficient to determine the role of this variant in disease. Therefore, it has been classified as a Variant of Uncertain Significance.

Blueprint Genetics
Classification: Uncertain significance. Last evaluated: 2023-11-28. Review status: criteria provided, single submitter. Criteria: ACMG Guidelines, 2015. Collection method: clinical testing. Allele origin: germline.